The following is an entry in ClinVar:

ClinVar aggregate classification (germline): Pathogenic/Likely pathogenic. Review status: criteria provided, multiple submitters, no conflicts (2 of 4 stars). 5 submissions from 5 submitters: Pathogenic (2); Likely pathogenic (2). 1 of the submissions does not count toward it. Last evaluated 2023-02-17.

Conditions:
Lymphangiomyomatosis (LAM). Also called: Lymphangioleiomyomatosis; Lymphangioleiomyomatosis, somatic. Identifiers: Orphanet 538, MedGen C0751674, MONDO:0011705, OMIM 606690.
Tuberous sclerosis 2 (TSC2). Identifiers: Orphanet 805, MedGen C1860707, MONDO:0013199, OMIM 613254.
Isolated focal cortical dysplasia type II (FCORD2). Also called: CORTICAL DYSPLASIA OF TAYLOR; Focal cortical dysplasia type II. Identifiers: Orphanet 268994, MedGen C1846385, MONDO:0011818, OMIM 607341, HP:0032051.
Tuberous sclerosis syndrome (TSC). Also called: Tuberous Sclerosis Complex; Tuberous sclerosis. Identifiers: Orphanet 805, MedGen C0041341, MONDO:0001734.

Submissions (5):

GeneDx
Classification: Pathogenic. Last evaluated: 2023-02-17. Review status: criteria provided, single submitter. Criteria: GeneDx Variant Classification Process June 2021. Collection method: clinical testing. Allele origin: germline. Affected: yes.
Comment: Not observed at significant frequency in large population cohorts (gnomAD); In silico analysis supports that this missense variant has a deleterious effect on protein structure/function; This variant is associated with the following publications: (PMID: 26540169, 11112665, 18466115, 32211034)

Labcorp Genetics (formerly Invitae), Labcorp
Classification: Pathogenic for Tuberous sclerosis 2. Last evaluated: 2022-05-05. Review status: criteria provided, single submitter. Criteria: Invitae Variant Classification Sherloc (09022015). Collection method: clinical testing. Allele origin: germline.
Comment: For these reasons, this variant has been classified as Pathogenic. Advanced modeling of protein sequence and biophysical properties (such as structural, functional, and spatial information, amino acid conservation, physicochemical variation, residue mobility, and thermodynamic stability) performed at Invitae indicates that this missense variant is expected to disrupt TSC2 protein function. ClinVar contains an entry for this variant (Variation ID: 49458). This missense change has been observed in individual(s) with tuberous sclerosis complex (PMID: 11112665, 32211034). In at least one individual the variant was observed to be de novo. This variant is not present in population databases (gnomAD no frequency). This sequence change replaces isoleucine, which is neutral and non-polar, with threonine, which is neutral and polar, at codon 1648 of the TSC2 protein (p.Ile1648Thr).

Center for Genomics, Ann and Robert H. Lurie Children's Hospital of Chicago
Classification: Likely pathogenic for Lymphangiomyomatosis; Isolated focal cortical dysplasia type II; Tuberous sclerosis 2. Review status: criteria provided, single submitter. Criteria: ACMG Guidelines, 2015. Collection method: clinical testing. Allele origin: germline.
Comment: TSC2 NM_000548.4 exon 38 p.Ile1648Thr (c.4943T>C): This variant has been reported in the literature in at least 1 individual with Tuberous sclerosis (Dabora 2001 PMID:11112665). This variant is not present in large control databases. This variant is present in ClinVar (Variation ID:49458). Evolutionary conservation and computational predictive tools suggest that this variant may impact the protein. Therefore this variant is classified as likely pathogenic.

Juno Genomics, Hangzhou Juno Genomics, Inc
Classification: Likely pathogenic for Tuberous sclerosis 2. Review status: criteria provided, single submitter. Criteria: ACMG Guidelines, 2015. Collection method: clinical testing. Allele origin: germline. Affected: yes.
Comment: Absent from controls (or at extremely low frequency if recessive) in Genome Aggregation Database, Exome Sequencing Project, 1000 Genomes Project, or Exome Aggregation Consortium.;Multiple lines of computational evidence support a deleterious effect on the gene or gene product (conservation, evolutionary, splicing impact, etc).;The prevalence of the variant in affected individuals is significantly increased compared to the prevalence in controls.;Assumed de novo, but without confirmation of paternity and maternity.;Patient's phenotype or family history is highly specific for a disease with a single genetic etiology.

Tuberous sclerosis database (TSC2)
No classification provided. Condition: TSC. Review status: no classification provided. Criteria: Tuberous Sclerosis Database Assertion Criteria 2015. Collection method: curation. Allele origin: germline. Affected: yes. Not counted in ClinVar's aggregate classification.

Literature cited by the submitters: PubMed 11112665 (cited by Labcorp Genetics (formerly Invitae), Labcorp); PubMed 32211034 (cited by Labcorp Genetics (formerly Invitae), Labcorp).

NM_000548.5(TSC2):c.4943T>C (p.Ile1648Thr)

Gene: TSC2 (TSC complex subunit 2; plus strand). Cytogenetic location: 16p13.3.
Variant type: single nucleotide variant.
Coding change: c.4943T>C on transcript NM_000548.5 (MANE Select); coding-DNA position 4943, T replaced by C.
Protein change: p.Ile1648Thr; replaces isoleucine 1648 with threonine.
Molecular consequence: missense variant.
Genome position (GRCh38, 1-based): chr16:2,086,825, T>C. VCF-style: chr16-2086825-T-C. GRCh37 (hg19) VCF-style: chr16-2136826-T-C.
Other names: c.4742T>C, p.Ile1581Thr (NM_001077183.3); c.4874T>C, p.Ile1625Thr (NM_001114382.3); c.4634T>C, p.Ile1545Thr (NM_001318827.2); c.4598T>C, p.Ile1533Thr (NM_001318829.2); c.4211T>C, p.Ile1404Thr (NM_001318831.2); c.4775T>C, p.Ile1592Thr (NM_001318832.2); c.4745T>C, p.Ile1582Thr (NM_001363528.2); c.4811T>C, p.Ile1604Thr (NM_001370404.1); and 1 more; short protein forms I1648T, I1545T, I1582T, I1604T, I1605T, I1581T, I1625T, I1404T.
Identifiers: ClinVar variation 49458 (VCV000049458.13), dbSNP rs45471896, ClinGen allele CA021368.